The following is an entry in ClinVar:

ClinVar aggregate classification (germline): Likely pathogenic (1 of 4 stars; one submission).

Conditions:
IQCE-related disorder. Also called: IQCE-related condition.

gnomAD v4.1: 48 of 1,613,620 alleles (0.003%); highest among the groups gnomAD compares: Admixed American, 0.0017%; no homozygotes.

Submission:

PreventionGenetics, part of Exact Sciences
Classification: Likely pathogenic for IQCE-related condition. Last evaluated: 2025-10-23. Review status: criteria provided, single submitter. Criteria: ACMG Guidelines, 2015. Collection method: clinical testing. Allele origin: germline.
Comment: The IQCE c.1045-1G>T variant is predicted to disrupt the AG splice acceptor site and interfere with normal splicing. To our knowledge, this variant has not been reported in the literature. This variant is reported in 0.097% of alleles in individuals of Ashkenazi Jewish descent in gnomAD. Variants that disrupt the consensus splice acceptor site in IQCE are expected to be pathogenic. This variant is interpreted as likely pathogenic.

NM_152558.5(IQCE):c.1045-1G>T

Gene: IQCE (IQ motif containing E; plus strand). Cytogenetic location: 7p22.3.
Variant type: single nucleotide variant.
Coding change: c.1045-1G>T on transcript NM_152558.5 (MANE Select); the canonical splice acceptor site of the intron before coding-DNA position 1045, G replaced by T.
Molecular consequence: splice acceptor variant.
Genome position (GRCh38, 1-based): chr7:2,589,906, G>T. VCF-style: chr7-2589906-G-T. GRCh37 (hg19) VCF-style: chr7-2629540-G-T.
Other names: c.997-1G>T (NM_001410865.1, NM_001287500.2); c.850-1G>T (NM_001287501.2, NM_001287502.2); c.1045-1G>T (NM_001287499.2).
Identifiers: ClinVar variation 4987087 (VCV004987087.1).